The following is an entry in ClinVar:

ClinVar aggregate classification (germline): Uncertain significance. Review status: criteria provided, single submitter (1 of 4 stars). 2 submissions from 2 submitters: Uncertain significance (1). 1 of the submissions does not count toward it. Last evaluated 2021-12-02.

Conditions:
Tay-Sachs disease (TSD). Also called: HEXA Disorders; HEXA DEFICIENCY; Hexosaminidase A Deficiency; GM2 gangliosidosis, type 1; Hexosaminidase alpha-subunit deficiency (variant B); Sphingolipidosis, Tay-Sachs. Identifiers: Orphanet 845, MedGen C0039373, MONDO:0010100, OMIM 272800.

Submissions (2):

Labcorp Genetics (formerly Invitae), Labcorp
Classification: Uncertain significance for Tay-Sachs disease. Last evaluated: 2021-12-02. Review status: criteria provided, single submitter. Criteria: Invitae Variant Classification Sherloc (09022015). Collection method: clinical testing. Allele origin: germline.
Comment: This variant occurs in a non-coding region of the HEXA gene. It does not change the encoded amino acid sequence of the HEXA protein. This variant is present in population databases (rs759154405, gnomAD 0.01%). This variant has not been reported in the literature in individuals affected with HEXA-related conditions. ClinVar contains an entry for this variant (Variation ID: 554486). In summary, the available evidence is currently insufficient to determine the role of this variant in disease. Therefore, it has been classified as a Variant of Uncertain Significance.

Counsyl
Classification: Uncertain significance for Tay-Sachs disease. Last evaluated: 2017-10-23. Review status: no assertion criteria provided. Collection method: clinical testing. Allele origin: unknown. Not counted in ClinVar's aggregate classification.

NM_000520.6(HEXA):c.-7_1del (p.Met1fs)

Gene: HEXA (hexosaminidase subunit alpha; minus strand). Cytogenetic location: 15q23.
Variant type: Deletion.
Coding change: c.-7_1del on transcript NM_000520.6 (MANE Select); 7 bases upstream of the start codon through coding-DNA position 1, 8 bases deleted (GCGGGCCA; older notation c.-7_1delGCGGGCCA).
Protein change: p.Met1fs; shifts the reading frame from methionine 1.
Molecular consequence: frameshift variant, initiator codon variant. On other transcripts: non-coding transcript variant (1).
Genome position (GRCh38, 1-based): chr15:72,375,972-72,375,979, TGGCCCGC deleted on the plus strand (GCGGGCCA on the coding strand, the reverse complement: HEXA is on the minus strand); deleting any 8 consecutive bases within chr15:72,375,972-72,375,982 gives the same sequence; the c. name uses the placement nearest the transcript's 3' end. VCF-style (leftmost placement, unchanged base first): chr15-72375971-ATGGCCCGC-A. GRCh37 (hg19) VCF-style: chr15-72668312-ATGGCCCGC-A.
Other names: c.-7_1del, p.Met1fs (NM_001318825.2); short protein forms M1fs.
Identifiers: ClinVar variation 554486 (VCV000554486.4), dbSNP rs759154405, ClinGen allele CA7645134.